The following is an entry in ClinVar:

ClinVar aggregate classification (germline): Uncertain significance (1 of 4 stars; one submission).

Conditions:
Developmental and epileptic encephalopathy, 54. Also called: Epileptic encephalopathy, early infantile, 54; HNRNPU-Related Neurodevelopmental Disorder. Identifiers: MedGen C4479319, MONDO:0033363, OMIM 617391.

gnomAD v4.1: 3 of 1,613,892 alleles (0.00019%); highest among the groups gnomAD compares: Non-Finnish European, 0.00017%; no homozygotes.

Submission:

Labcorp Genetics (formerly Invitae), Labcorp
Classification: Uncertain significance for Developmental and epileptic encephalopathy, 54. Last evaluated: 2025-12-19. Review status: criteria provided, single submitter. Criteria: Invitae Variant Classification Sherloc (09022015). Collection method: clinical testing. Allele origin: germline.
Comment: This sequence change replaces arginine, which is basic and polar, with histidine, which is basic and polar, at codon 727 of the HNRNPU protein (p.Arg727His). This variant is present in population databases (no rsID available, gnomAD 0.03%). This variant has not been reported in the literature in individuals affected with HNRNPU-related conditions. Invitae Evidence Modeling of protein sequence and biophysical properties (such as structural, functional, and spatial information, amino acid conservation, physicochemical variation, residue mobility, and thermodynamic stability) indicates that this missense variant is not expected to disrupt HNRNPU protein function with a negative predictive value of 95%. In summary, the available evidence is currently insufficient to determine the role of this variant in disease. Therefore, it has been classified as a Variant of Uncertain Significance.

NM_031844.3(HNRNPU):c.2180G>A (p.Arg727His)

Gene: HNRNPU (heterogeneous nuclear ribonucleoprotein U; minus strand). Cytogenetic location: 1q44.
Variant type: single nucleotide variant.
Coding change: c.2180G>A on transcript NM_031844.3 (MANE Select); coding-DNA position 2180, G replaced by A.
Protein change: p.Arg727His; replaces arginine 727 with histidine.
Molecular consequence: missense variant.
Genome position (GRCh38, 1-based): chr1:244,855,596, C>T on the plus strand (G>A on the coding strand, the complement: HNRNPU is on the minus strand). VCF-style: chr1-244855596-C-T. GRCh37 (hg19) VCF-style: chr1-245018898-C-T.
Other names: c.2123G>A, p.Arg708His (NM_004501.3); short protein forms R708H, R727H.
Identifiers: ClinVar variation 4750754 (VCV004750754.1).